The following is an entry in ClinVar:

ClinVar aggregate classification (germline): Uncertain significance (1 of 4 stars; one submission).

Conditions:
Neurofibromatosis, type 1 (NF1). Also called: Peripheral type neurofibromatosis; VON RECKLINGHAUSEN DISEASE; Neurofibromatosis, type I; NEUROFIBROMATOSIS, TYPE I, SOMATIC. Identifiers: Orphanet 636, MedGen C0027831, MONDO:0018975, OMIM 162200. Disease mechanism: loss of function.

Submission:

Labcorp Genetics (formerly Invitae), Labcorp
Classification: Uncertain significance for Neurofibromatosis, type 1. Last evaluated: 2023-11-17. Review status: criteria provided, single submitter. Criteria: Invitae Variant Classification Sherloc (09022015). Collection method: clinical testing. Allele origin: germline.
Comment: This sequence change falls in intron 54 of the NF1 gene. It does not directly change the encoded amino acid sequence of the NF1 protein. It affects a nucleotide within the consensus splice site. This variant is not present in population databases (gnomAD no frequency). This variant has not been reported in the literature in individuals affected with NF1-related conditions. Variants that disrupt the consensus splice site are a relatively common cause of aberrant splicing (PMID: 17576681, 9536098). Algorithms developed to predict the effect of sequence changes on RNA splicing suggest that this variant may disrupt the consensus splice site. In summary, the available evidence is currently insufficient to determine the role of this variant in disease. Therefore, it has been classified as a Variant of Uncertain Significance.

Literature cited by the submitters: PubMed 17576681; PubMed 9536098.

NM_001042492.3(NF1):c.8113+6T>G

Gene: NF1 (neurofibromin 1; plus strand). Cytogenetic location: 17q11.2.
Variant type: single nucleotide variant.
Coding change: c.8113+6T>G on transcript NM_001042492.3 (MANE Select); 6 bases into the intron after coding-DNA position 8113, T replaced by G.
Molecular consequence: intron variant.
Genome position (GRCh38, 1-based): chr17:31,358,628, T>G. VCF-style: chr17-31358628-T-G. GRCh37 (hg19) VCF-style: chr17-29685646-T-G.
Other names: c.8050+6T>G (NM_000267.4).
Identifiers: ClinVar variation 2696712 (VCV002696712.3), dbSNP rs2508835837, ClinGen allele CA2697559618.